The following is an entry in ClinVar:

ClinVar aggregate classification (germline): Uncertain significance (1 of 4 stars; one submission).

Allele frequency attached by ClinVar (database versions not stated): TOPMed 0.00001.
gnomAD v4.1: 1 of 1,613,054 alleles (0.000062%); highest among the groups gnomAD compares: African/African-American, 0.0013%; no homozygotes.

Submission:

GeneDx
Classification: Uncertain significance. Last evaluated: 2022-09-19. Review status: criteria provided, single submitter. Criteria: GeneDx Variant Classification Process June 2021. Collection method: clinical testing. Allele origin: germline. Affected: yes.
Comment: Not observed in large population cohorts (gnomAD); In silico analysis supports that this missense variant does not alter protein structure/function; Has not been previously published as pathogenic or benign to our knowledge

NM_198904.4(GABRG2):c.137A>G (p.Tyr46Cys)

Gene: GABRG2 (gamma-aminobutyric acid type A receptor subunit gamma2; plus strand). Cytogenetic location: 5q34.
Variant type: single nucleotide variant.
Coding change: c.137A>G on transcript NM_198904.4 (MANE Select); coding-DNA position 137, A replaced by G.
Protein change: p.Tyr46Cys; replaces tyrosine 46 with cysteine.
Molecular consequence: missense variant. On other transcripts: 5 prime UTR variant (3).
Genome position (GRCh38, 1-based): chr5:162,093,857, A>G. VCF-style: chr5-162093857-A-G. GRCh37 (hg19) VCF-style: chr5-161520863-A-G.
Other names: c.137A>G, p.Tyr46Cys (NM_000816.3, NM_001375340.1, NM_001375341.1 and 4 more transcripts); c.128A>G, p.Tyr43Cys (NM_001375339.1); c.71A>G, p.Tyr24Cys (NM_001375345.1, NM_001375346.1); c.50A>G, p.Tyr17Cys (NM_001375347.1); c.-222A>G (NM_001375348.1, NM_001375350.1); c.-149A>G (NM_001375349.1); short protein forms Y17C, Y24C, Y43C, Y46C.
Identifiers: ClinVar variation 1706959 (VCV001706959.2), dbSNP rs1218953360, ClinGen allele CA362182895.
Genomic context (GRCh38, chr5:162,093,857, plus strand): 5'-TGTGTTTTTTGACCAATATGTTTTTTCTTAGCTTCACTAGCCAGAAATCTGATGATGACT[A>G]TGAAGATTATGCTTCTAACAAAACATGGGTCTTGACTCCAAAAGTTCCTGAGGGTGATGT-3'
Protein context (NP_944494.1, residues 36-56): GFTSQKSDDD[Tyr46Cys]EDYASNKTWV